The following is an entry in ClinVar:

NM_030777.4(SLC2A10):c.949G>A (p.Val317Ile)

Gene: SLC2A10 (solute carrier family 2 member 10; plus strand). Cytogenetic location: 20q13.12.
Variant type: single nucleotide variant.
Coding change: c.949G>A on transcript NM_030777.4 (MANE Select); coding-DNA position 949, G replaced by A.
Protein change: p.Val317Ile; replaces valine 317 with isoleucine.
Molecular consequence: missense variant.
Genome position (GRCh38, 1-based): chr20:46,725,985, G>A. VCF-style: chr20-46725985-G-A. GRCh37 (hg19) VCF-style: chr20-45354624-G-A.
Other names: short protein forms V317I.
Identifiers: ClinVar variation 1000569 (VCV001000569.5), dbSNP rs781230863, ClinGen allele CA9892075.

ClinVar aggregate classification (germline): Uncertain significance (1 of 4 stars; one submission).

Conditions:
Arterial tortuosity syndrome (ATORS). Identifiers: Orphanet 3342, MedGen C1859726, MONDO:0008818, OMIM 208050.

Allele frequency attached by ClinVar (database versions not stated): gnomAD exomes 0.00004 and 0.00006; ExAC 0.00005; gnomAD 0.00006 and 0.00007; TOPMed 0.00008.
gnomAD v4.1: 97 of 1,613,850 alleles (0.006%); highest among the groups gnomAD compares: Admixed American, 0.013%; no homozygotes.

Submission:

Labcorp Genetics (formerly Invitae), Labcorp
Classification: Uncertain significance for Arterial tortuosity syndrome. Last evaluated: 2024-01-02. Review status: criteria provided, single submitter. Criteria: Invitae Variant Classification Sherloc (09022015). Collection method: clinical testing. Allele origin: germline.
Comment: This sequence change replaces valine, which is neutral and non-polar, with isoleucine, which is neutral and non-polar, at codon 317 of the SLC2A10 protein (p.Val317Ile). This variant is present in population databases (rs781230863, gnomAD 0.01%). This variant has not been reported in the literature in individuals affected with SLC2A10-related conditions. ClinVar contains an entry for this variant (Variation ID: 1000569). Advanced modeling of protein sequence and biophysical properties (such as structural, functional, and spatial information, amino acid conservation, physicochemical variation, residue mobility, and thermodynamic stability) performed at Invitae indicates that this missense variant is not expected to disrupt SLC2A10 protein function with a negative predictive value of 95%. In summary, the available evidence is currently insufficient to determine the role of this variant in disease. Therefore, it has been classified as a Variant of Uncertain Significance.